The following is an entry in ClinVar:

ClinVar aggregate classification (germline): Uncertain significance (1 of 4 stars; one submission).

Conditions:
Ullrich congenital muscular dystrophy 2 (UCMD2). Identifiers: Orphanet 75840, MedGen C4225314, MONDO:0014654, OMIM 616470.
Bethlem myopathy 2 (BTHLM2). Identifiers: Orphanet 536516, Orphanet 610, MedGen C4225313, MONDO:0034022, OMIM 616471.

gnomAD v4.1: 2 of 1,612,716 alleles (0.00012%); highest among the groups gnomAD compares: East Asian, 0.0045%; no homozygotes.

Submission:

Labcorp Genetics (formerly Invitae), Labcorp
Classification: Uncertain significance for Bethlem myopathy 2; Ullrich congenital muscular dystrophy 2. Last evaluated: 2024-03-01. Review status: criteria provided, single submitter. Criteria: Invitae Variant Classification Sherloc (09022015). Collection method: clinical testing. Allele origin: germline.
Comment: This sequence change replaces threonine, which is neutral and polar, with alanine, which is neutral and non-polar, at codon 2681 of the COL12A1 protein (p.Thr2681Ala). This variant is not present in population databases (gnomAD no frequency). This variant has not been reported in the literature in individuals affected with COL12A1-related conditions. Advanced modeling of protein sequence and biophysical properties (such as structural, functional, and spatial information, amino acid conservation, physicochemical variation, residue mobility, and thermodynamic stability) performed at Invitae indicates that this missense variant is not expected to disrupt COL12A1 protein function with a negative predictive value of 80%. In summary, the available evidence is currently insufficient to determine the role of this variant in disease. Therefore, it has been classified as a Variant of Uncertain Significance.

NM_004370.6(COL12A1):c.8041A>G (p.Thr2681Ala)

Gene: COL12A1 (collagen type XII alpha 1 chain; minus strand). Cytogenetic location: 6q13.
Variant type: single nucleotide variant.
Coding change: c.8041A>G on transcript NM_004370.6 (MANE Select); coding-DNA position 8041, A replaced by G.
Protein change: p.Thr2681Ala; replaces threonine 2681 with alanine.
Molecular consequence: missense variant.
Genome position (GRCh38, 1-based): chr6:75,109,077, T>C on the plus strand (A>G on the coding strand, the complement: COL12A1 is on the minus strand). VCF-style: chr6-75109077-T-C. GRCh37 (hg19) VCF-style: chr6-75818793-T-C.
Other names: c.8041A>G, p.Thr2681Ala (NM_001424113.1); c.8020A>G, p.Thr2674Ala (NM_001424114.1); c.7768A>G, p.Thr2590Ala (NM_001424115.1); c.4549A>G, p.Thr1517Ala (NM_001424116.1, NM_080645.3); short protein forms T1517A, T2590A, T2674A, T2681A.
Identifiers: ClinVar variation 3763426 (VCV003763426.2).